The following is an entry in ClinVar:

NM_002529.4(NTRK1):c.1732G>A (p.Val578Ile)

Gene: NTRK1 (neurotrophic receptor tyrosine kinase 1; plus strand). Cytogenetic location: 1q23.1.
Variant type: single nucleotide variant.
Coding change: c.1732G>A on transcript NM_002529.4 (MANE Select); coding-DNA position 1732, G replaced by A.
Protein change: p.Val578Ile; replaces valine 578 with isoleucine.
Molecular consequence: missense variant.
Genome position (GRCh38, 1-based): chr1:156,876,499, G>A. VCF-style: chr1-156876499-G-A. GRCh37 (hg19) VCF-style: chr1-156846291-G-A.
Other names: c.1624G>A, p.Val542Ile (NM_001007792.1); c.1714G>A, p.Val572Ile (NM_001012331.2); c.1714G>A (NM_001012331.1); short protein forms V542I, V578I, V572I.
Identifiers: ClinVar variation 1047576 (VCV001047576.10), dbSNP rs760764097, ClinGen allele CA1169452.

ClinVar aggregate classification (germline): Uncertain significance. Review status: criteria provided, multiple submitters, no conflicts (2 of 4 stars). 5 submissions from 5 submitters: Uncertain significance (4). 1 of the submissions does not count toward it. Last evaluated 2023-04-11.

Conditions:
Inborn genetic diseases. Identifiers: MedGen C0950123, MeSH D030342.
Hereditary insensitivity to pain with anhidrosis (CIPA). Also called: HSAN Type IV; hereditary sensory and autonomic neuropathy type 4; NEUROPATHY, CONGENITAL SENSORY, WITH ANHIDROSIS; FAMILIAL DYSAUTONOMIA, TYPE II; NTRK1 Congenital Insensitivity to Pain with Anhidrosis; INSENSITIVITY TO PAIN, CONGENITAL, WITH ANHIDROSIS. Identifiers: Orphanet 642, MedGen C0020074, MONDO:0009746, OMIM 256800.

Allele frequency attached by ClinVar (database versions not stated): ExAC 0.00001; gnomAD 0.00001; gnomAD exomes 0.00001; TOPMed 0.00001.
gnomAD v4.1: 21 of 1,613,622 alleles (0.0013%); highest among the groups gnomAD compares: African/African-American, 0.0027%; no homozygotes.

Submissions (5):

Genome-Nilou Lab
Classification: Uncertain significance for Hereditary insensitivity to pain with anhidrosis. Last evaluated: 2023-04-11. Review status: criteria provided, single submitter. Criteria: ACMG Guidelines, 2015. Collection method: clinical testing. Allele origin: germline. Affected: no.

Labcorp Genetics (formerly Invitae), Labcorp
Classification: Uncertain significance for Hereditary insensitivity to pain with anhidrosis. Last evaluated: 2022-02-10. Review status: criteria provided, single submitter. Criteria: Invitae Variant Classification Sherloc (09022015). Collection method: clinical testing. Allele origin: germline.
Comment: This sequence change replaces valine, which is neutral and non-polar, with isoleucine, which is neutral and non-polar, at codon 572 of the NTRK1 protein (p.Val572Ile). This variant is present in population databases (rs760764097, gnomAD 0.007%). This variant has not been reported in the literature in individuals affected with NTRK1-related conditions. ClinVar contains an entry for this variant (Variation ID: 1047576). Advanced modeling of protein sequence and biophysical properties (such as structural, functional, and spatial information, amino acid conservation, physicochemical variation, residue mobility, and thermodynamic stability) performed at Invitae indicates that this missense variant is not expected to disrupt NTRK1 protein function. In summary, the available evidence is currently insufficient to determine the role of this variant in disease. Therefore, it has been classified as a Variant of Uncertain Significance.

Ambry Genetics
Classification: Uncertain significance for Inborn genetic diseases. Last evaluated: 2021-06-08. Review status: criteria provided, single submitter. Criteria: Ambry Variant Classification Scheme 2023. Collection method: clinical testing. Allele origin: germline.
Comment: The p.V572I variant (also known as c.1714G>A), located in coding exon 13 of the NTRK1 gene, results from a G to A substitution at nucleotide position 1714. The valine at codon 572 is replaced by isoleucine, an amino acid with highly similar properties. This amino acid position is highly conserved in available vertebrate species. In addition, the in silico prediction for this alteration is inconclusive. Since supporting evidence is limited at this time, the clinical significance of this alteration remains unclear.

Breakthrough Genomics
Classification: Uncertain significance. Review status: criteria provided, single submitter. Criteria: ACMG Guidelines, 2015. Collection method: not provided. Allele origin: germline. Inheritance: Autosomal recessive inheritance. Affected: yes.

Natera, Inc.
Classification: Uncertain significance for Hereditary insensitivity to pain with anhidrosis. Last evaluated: 2021-03-05. Review status: no assertion criteria provided. Collection method: clinical testing. Allele origin: germline. Not counted in ClinVar's aggregate classification.